The following is an entry in ClinVar:

ClinVar aggregate classification (germline): Uncertain significance. Review status: criteria provided, multiple submitters, no conflicts (2 of 4 stars). 2 submissions from 2 submitters: Uncertain significance (2). Last evaluated 2026-03-04.

Conditions:
Familial melanoma. Also called: Hereditary melanoma; Hereditary cutaneous melanoma. Identifiers: Orphanet 618, MedGen C1512419, MONDO:0018961.
Hereditary cancer-predisposing syndrome. Also called: Neoplastic Syndromes, Hereditary; Hereditary Cancer Syndrome; Tumor predisposition; Hereditary neoplastic syndrome. Identifiers: Orphanet 140162, MedGen C0027672, MeSH D009386, MONDO:0015356.

Submissions (2):

Ambry Genetics
Classification: Uncertain significance for Hereditary cancer-predisposing syndrome. Last evaluated: 2026-03-04. Review status: criteria provided, single submitter. Criteria: Ambry Variant Classification Scheme 2023. Collection method: clinical testing. Allele origin: germline.
Comment: The c.192A>T variant (also known as p.P64P), located in coding exon 1 of the CDKN2A (p14ARF) gene, results from an A to T substitution at nucleotide position 192. This nucleotide substitution does not change the proline at codon 64. This variant was reported in individuals with cutaneous melanoma (Harland M et al. Oncogene, 2005 Jun;24:4604-8; Goldstein AM et al. Cancer Res, 2006 Oct;66:9818-28; Ambry internal data). This nucleotide position is highly conserved in available vertebrate species. In silico splice site analysis for this alteration is inconclusive. Based on the available evidence, the clinical significance of this variant remains unclear.

Labcorp Genetics (formerly Invitae), Labcorp
Classification: Uncertain significance for Familial melanoma. Last evaluated: 2021-08-12. Review status: criteria provided, single submitter. Criteria: Invitae Variant Classification Sherloc (09022015). Collection method: clinical testing. Allele origin: germline.

Literature cited by the submitters: PubMed 15856016 (cited by Ambry Genetics); PubMed 17047042 (cited by Ambry Genetics).

NM_058195.4(CDKN2A):c.192A>T (p.Pro64=)

Gene: CDKN2A (cyclin dependent kinase inhibitor 2A; minus strand). Cytogenetic location: 9p21.3.
Variant type: single nucleotide variant.
Coding change: c.192A>T on transcript NM_058195.4 (MANE Plus Clinical); coding-DNA position 192, A replaced by T.
Protein change: p.Pro64=; no amino-acid change (proline 64 retained).
Molecular consequence: synonymous variant. On other transcripts: intron variant (1).
Genome position (GRCh38, 1-based): chr9:21,994,140, T>A on the plus strand (A>T on the coding strand, the complement: CDKN2A is on the minus strand). VCF-style: chr9-21994140-T-A. GRCh37 (hg19) VCF-style: chr9-21994139-T-A.
Other names: c.-4+681A>T (NM_001363763.2).
Identifiers: ClinVar variation 483339 (VCV000483339.10), dbSNP rs1554659172, ClinGen allele CA464100247.